The following is an entry in ClinVar:

NM_020937.4(FANCM):c.639T>C (p.Ile213=)

Gene: FANCM (FA complementation group M; plus strand). Cytogenetic location: 14q21.2.
Variant type: single nucleotide variant.
Coding change: c.639T>C on transcript NM_020937.4 (MANE Select); coding-DNA position 639, T replaced by C.
Protein change: p.Ile213=; no amino-acid change (isoleucine 213 retained).
Molecular consequence: synonymous variant.
Genome position (GRCh38, 1-based): chr14:45,137,199, T>C. VCF-style: chr14-45137199-T-C. GRCh37 (hg19) VCF-style: chr14-45606402-T-C.
Other names: c.639T>C, p.Ile213= (NM_001308133.2, NM_001308134.2); c.639T>C (NM_020937.3).
Identifiers: ClinVar variation 2149891 (VCV002149891.7), dbSNP rs780953265, ClinGen allele CA7168815.

ClinVar aggregate classification (germline): Likely benign. Review status: criteria provided, multiple submitters, no conflicts (2 of 4 stars). 3 submissions from 3 submitters: Likely benign (2). 1 of the submissions does not count toward it. Last evaluated 2024-12-15.

Conditions:
Inborn genetic diseases. Identifiers: MedGen C0950123, MeSH D030342.
FANCM-related disorder. Also called: FANCM-related condition.
Fanconi anemia (FA). Also called: Fanconi's anemia. Identifiers: Orphanet 84, MedGen C0015625, MeSH D005199, MONDO:0019391.

Allele frequency attached by ClinVar (database versions not stated): ExAC 0.00001; TOPMed 0.00002; gnomAD 0.00003.
gnomAD v4.1: 5 of 1,613,508 alleles (0.00031%); highest among the groups gnomAD compares: African/African-American, 0.0067%; no homozygotes.

Submissions (3):

Ambry Genetics
Classification: Likely benign for Inborn genetic diseases. Last evaluated: 2024-12-15. Review status: criteria provided, single submitter. Criteria: Ambry Variant Classification Scheme 2023. Collection method: clinical testing. Allele origin: germline.

Labcorp Genetics (formerly Invitae), Labcorp
Classification: Likely benign for Fanconi anemia. Last evaluated: 2023-04-15. Review status: criteria provided, single submitter. Criteria: Invitae Variant Classification Sherloc (09022015). Collection method: clinical testing. Allele origin: germline.

PreventionGenetics, part of Exact Sciences
Classification: Likely benign for FANCM-related condition. Last evaluated: 2022-09-20. Review status: no assertion criteria provided. Collection method: clinical testing. Allele origin: germline. Not counted in ClinVar's aggregate classification.
Comment: This variant is classified as likely benign based on ACMG/AMP sequence variant interpretation guidelines (Richards et al. 2015 PMID: 25741868, with internal and published modifications).